The following is an entry in ClinVar:

NM_001853.4(COL9A3):c.345+1G>T

Gene: COL9A3 (collagen type IX alpha 3 chain; plus strand). Cytogenetic location: 20q13.33.
Variant type: single nucleotide variant.
Coding change: c.345+1G>T on transcript NM_001853.4 (MANE Select); the canonical splice donor site of the intron after coding-DNA position 345, G replaced by T.
Molecular consequence: splice donor variant.
Genome position (GRCh38, 1-based): chr20:62,821,217, G>T. VCF-style: chr20-62821217-G-T. GRCh37 (hg19) VCF-style: chr20-61452569-G-T.
Identifiers: ClinVar variation 2001754 (VCV002001754.4), dbSNP rs1323866037, ClinGen allele CA409588125.
Genomic context (GRCh38, chr20:62,821,217, plus strand): 5'-TAGACGCCTGCTTTCCTCCCACAGGGAAGTCTGGGACCCCCGGGGCCGCCCGGGCTGGGG[G>T]TGAGTATGGAGTGTGGTCCTCTCCTCTCCATGGGAGTTTGGGGAGCTGGAGAGTCTGGTC-3'

ClinVar aggregate classification (germline): Uncertain significance (1 of 4 stars; one submission).

Allele frequency attached by ClinVar (database versions not stated): gnomAD exomes below 0.00001.
gnomAD v4.1: 1 of 1,613,290 alleles (0.000062%); highest among the groups gnomAD compares: Non-Finnish European, 0.000085%; no homozygotes.

Submission:

Labcorp Genetics (formerly Invitae), Labcorp
Classification: Uncertain significance. Last evaluated: 2022-06-01. Review status: criteria provided, single submitter. Criteria: Invitae Variant Classification Sherloc (09022015). Collection method: clinical testing. Allele origin: germline.
Comment: This sequence change affects a donor splice site in intron 6 of the COL9A3 gene. Variants that disrupt the donor or acceptor splice site typically lead to a loss of protein function (PMID: 16199547), however it is unknown whether splice variants in this region will result in a loss of function. In summary, the available evidence is currently insufficient to determine the role of this variant in disease. Therefore, it has been classified as a Variant of Uncertain Significance. Algorithms developed to predict the effect of sequence changes on RNA splicing suggest that this variant may disrupt the consensus splice site. This variant has not been reported in the literature in individuals affected with COL9A3-related conditions. This variant is not present in population databases (gnomAD no frequency).

Literature cited by the submitters: PubMed 16199547.